The following is an entry in ClinVar:

NM_001735.3(C5):c.4652C>T (p.Thr1551Ile)

Gene: C5 (complement C5; minus strand). Cytogenetic location: 9q33.2.
Variant type: single nucleotide variant.
Coding change: c.4652C>T on transcript NM_001735.3 (MANE Select); coding-DNA position 4652, C replaced by T.
Protein change: p.Thr1551Ile; replaces threonine 1551 with isoleucine.
Molecular consequence: missense variant.
Genome position (GRCh38, 1-based): chr9:120,960,274, G>A on the plus strand (C>T on the coding strand, the complement: C5 is on the minus strand). VCF-style: chr9-120960274-G-A. GRCh37 (hg19) VCF-style: chr9-123722552-G-A.
Other names: c.4670C>T, p.Thr1557Ile (NM_001317163.2); short protein forms T1557I, T1551I.
Identifiers: ClinVar variation 1491296 (VCV001491296.9), dbSNP rs138510251, ClinGen allele CA5217115.

ClinVar aggregate classification (germline): Uncertain significance. Review status: criteria provided, multiple submitters, no conflicts (2 of 4 stars). 2 submissions from 2 submitters: Uncertain significance (2). Last evaluated 2021-08-15.

Conditions:
Eculizumab, poor response to. Identifiers: MedGen C3810402, OMIM 615749.
Complement component 5 deficiency. Also called: C5 DEFICIENCY. Identifiers: MedGen C0343047, MONDO:0012295, OMIM 609536.

Allele frequency attached by ClinVar (database versions not stated): gnomAD exomes below 0.00001; ExAC 0.00001; ESP Exome Variant Server 0.00008.
gnomAD v4.1: 3 of 1,612,908 alleles (0.00019%); highest among the groups gnomAD compares: Admixed American, 0.0017%; no homozygotes.

Submissions (2):

Fulgent Genetics
Classification: Uncertain significance for Complement component 5 deficiency; Eculizumab, poor response to. Last evaluated: 2021-08-15. Review status: criteria provided, single submitter. Criteria: ACMG Guidelines, 2015. Collection method: clinical testing. Allele origin: unknown.

Labcorp Genetics (formerly Invitae), Labcorp
Classification: Uncertain significance. Last evaluated: 2020-12-04. Review status: criteria provided, single submitter. Criteria: Invitae Variant Classification Sherloc (09022015). Collection method: clinical testing. Allele origin: germline.
Comment: This variant is present in population databases (rs138510251, ExAC 0.009%). This variant has not been reported in the literature in individuals with C5-related conditions. This sequence change replaces threonine with isoleucine at codon 1551 of the C5 protein (p.Thr1551Ile). The threonine residue is weakly conserved and there is a moderate physicochemical difference between threonine and isoleucine. In summary, the available evidence is currently insufficient to determine the role of this variant in disease. Therefore, it has been classified as a Variant of Uncertain Significance. Algorithms developed to predict the effect of missense changes on protein structure and function output the following: SIFT: "Tolerated"; PolyPhen-2: "Benign"; Align-GVGD: "Class C0". The isoleucine amino acid residue is found in multiple mammalian species, suggesting that this missense change does not adversely affect protein function. These predictions have not been confirmed by published functional studies and their clinical significance is uncertain.